The following is an entry in ClinVar:

NM_003072.5(SMARCA4):c.3599G>A (p.Arg1200His)

Gene: SMARCA4 (SWI/SNF related BAF chromatin remodeling complex subunit ATPase 4; plus strand). Cytogenetic location: 19p13.2.
Variant type: single nucleotide variant.
Coding change: c.3599G>A on transcript NM_003072.5 (MANE Select); coding-DNA position 3599, G replaced by A.
Protein change: p.Arg1200His; replaces arginine 1200 with histidine.
Molecular consequence: missense variant. On other transcripts: non-coding transcript variant (1).
Genome position (GRCh38, 1-based): chr19:11,033,342, G>A. VCF-style: chr19-11033342-G-A. GRCh37 (hg19) VCF-style: chr19-11144018-G-A.
Other names: c.3599G>A (NM_001387283.1); c.3599G>A, p.Arg1200His (NM_001128844.3, NM_001128845.2, NM_001128846.2 and 4 more transcripts); short protein forms R1200H.
Identifiers: ClinVar variation 953751 (VCV000953751.14), dbSNP rs749001381, ClinGen allele CA9204476.

ClinVar aggregate classification (germline): Conflicting classifications of pathogenicity. Review status: criteria provided, conflicting classifications (1 of 4 stars). 3 submissions from 3 submitters: Likely pathogenic (1); Uncertain significance (2). Last evaluated 2025-07-24.

Conditions:
Hereditary cancer-predisposing syndrome. Also called: Hereditary neoplastic syndrome; Tumor predisposition; Neoplastic Syndromes, Hereditary; Hereditary Cancer Syndrome. Identifiers: Orphanet 140162, MedGen C0027672, MeSH D009386, MONDO:0015356.
Intellectual disability, autosomal dominant 16 (CSS4). Also called: COFFIN-SIRIS SYNDROME 4. Identifiers: Orphanet 1465, MedGen C3553249, MONDO:0013821, OMIM 614609.
Rhabdoid tumor predisposition syndrome 2 (RTPS2). Identifiers: Orphanet 231108, Orphanet 69077, MedGen C2750074, MONDO:0013224, OMIM 613325.

Allele frequency attached by ClinVar (database versions not stated): gnomAD exomes below 0.00001; ExAC 0.00001.

Submissions (3):

Institute of Human Genetics, University of Leipzig Medical Center
Classification: Likely pathogenic for Intellectual disability, autosomal dominant 16. Last evaluated: 2025-07-24. Review status: criteria provided, single submitter. Criteria: ACMG Guidelines, 2015. Collection method: clinical testing. Allele origin: de novo. Inheritance: Autosomal dominant inheritance. Affected: yes.
Comment: Criteria applied: PS2_MOD,PM2,PP2,PP3

Ambry Genetics
Classification: Uncertain significance for Hereditary cancer-predisposing syndrome. Last evaluated: 2024-11-26. Review status: criteria provided, single submitter. Criteria: Ambry Variant Classification Scheme 2023. Collection method: clinical testing. Allele origin: germline.
Comment: The p.R1200H variant (also known as c.3599G>A), located in coding exon 25 of the SMARCA4 gene, results from a G to A substitution at nucleotide position 3599. The arginine at codon 1200 is replaced by histidine, an amino acid with highly similar properties. This amino acid position is highly conserved in available vertebrate species. In addition, this alteration is predicted to be deleterious by in silico analysis. Based on the available evidence, the clinical significance of this variant remains unclear.

Labcorp Genetics (formerly Invitae), Labcorp
Classification: Uncertain significance for Rhabdoid tumor predisposition syndrome 2. Last evaluated: 2024-07-01. Review status: criteria provided, single submitter. Criteria: Invitae Variant Classification Sherloc (09022015). Collection method: clinical testing. Allele origin: germline.
Comment: This sequence change replaces arginine, which is basic and polar, with histidine, which is basic and polar, at codon 1200 of the SMARCA4 protein (p.Arg1200His). This variant is present in population databases (rs749001381, gnomAD 0.0009%). This variant has not been reported in the literature in individuals affected with SMARCA4-related conditions. ClinVar contains an entry for this variant (Variation ID: 953751). Advanced modeling of protein sequence and biophysical properties (such as structural, functional, and spatial information, amino acid conservation, physicochemical variation, residue mobility, and thermodynamic stability) performed at Invitae indicates that this missense variant is expected to disrupt SMARCA4 protein function with a positive predictive value of 95%. In summary, the available evidence is currently insufficient to determine the role of this variant in disease. Therefore, it has been classified as a Variant of Uncertain Significance.